The following is an entry in ClinVar:

NM_000023.4(SGCA):c.313-39C>A

Gene: SGCA (sarcoglycan alpha; plus strand). Cytogenetic location: 17q21.33.
Variant type: single nucleotide variant.
Coding change: c.313-39C>A on transcript NM_000023.4 (MANE Select); 39 bases into the intron before coding-DNA position 313, C replaced by A.
Molecular consequence: intron variant.
Genome position (GRCh38, 1-based): chr17:50,167,908, C>A. VCF-style: chr17-50167908-C-A. GRCh37 (hg19) VCF-style: chr17-48245269-C-A.
Other names: c.313-39C>A (LRG_203t1, NM_001135697.3).
Identifiers: ClinVar variation 254718 (VCV000254718.6), dbSNP rs59944537, ClinGen allele CA8643764.

ClinVar aggregate classification (germline): Benign. Review status: criteria provided, multiple submitters, no conflicts (2 of 4 stars). 4 submissions from 4 submitters: Benign (4). Last evaluated 2021-06-10.

Conditions:
Autosomal recessive limb-girdle muscular dystrophy type 2D (LGMDR3). Also called: ADHALINOPATHY, PRIMARY; DUCHENNE-LIKE AUTOSOMAL RECESSIVE MUSCULAR DYSTROPHY, TYPE 2; MUSCULAR DYSTROPHY, LIMB-GIRDLE, AUTOSOMAL RECESSIVE 3. Identifiers: Orphanet 62, MedGen C2936332, MONDO:0011968, OMIM 608099. Disease mechanism: Affects gamma-sarcoglycan and also disrupts the integrity of the entire sarcoglycan complex..

Allele frequency attached by ClinVar (database versions not stated): 1000 Genomes Project 0.12240; 1000 Genomes Project 30x 0.12695; ESP Exome Variant Server 0.14224; gnomAD 0.14707 and 0.14899; TOPMed 0.14880.
gnomAD v4.1: 227,613 of 1,601,502 alleles (14%); highest among the groups gnomAD compares: Admixed American, 20%; 16,840 homozygotes.

Submissions (4):

Genome-Nilou Lab
Classification: Benign for Autosomal recessive limb-girdle muscular dystrophy type 2D. Last evaluated: 2021-06-10. Review status: criteria provided, single submitter. Criteria: ACMG Guidelines, 2015. Collection method: clinical testing. Allele origin: germline. Affected: no.

GeneDx
Classification: Benign. Last evaluated: 2018-06-19. Review status: criteria provided, single submitter. Criteria: GeneDx Variant Classification (06012015). Collection method: clinical testing. Allele origin: germline. Affected: yes.
Comment: This variant is considered likely benign or benign based on one or more of the following criteria: it is a conservative change, it occurs at a poorly conserved position in the protein, it is predicted to be benign by multiple in silico algorithms, and/or has population frequency not consistent with disease.

Breakthrough Genomics
Classification: Benign. Review status: criteria provided, single submitter. Criteria: ACMG Guidelines, 2015. Collection method: not provided. Allele origin: germline. Inheritance: Autosomal recessive inheritance. Affected: yes.

PreventionGenetics, part of Exact Sciences
Classification: Benign. Review status: criteria provided, single submitter. Criteria: ACMG Guidelines, 2015. Collection method: clinical testing. Allele origin: germline.